The following is an entry in ClinVar:

NM_000878.5(IL2RB):c.480C>G (p.Tyr160Ter)

Gene: IL2RB (interleukin 2 receptor subunit beta; minus strand). Cytogenetic location: 22q12.3.
Variant type: single nucleotide variant.
Coding change: c.480C>G on transcript NM_000878.5 (MANE Select); coding-DNA position 480, C replaced by G.
Protein change: p.Tyr160Ter; replaces tyrosine 160 with a stop codon.
Molecular consequence: nonsense.
Genome position (GRCh38, 1-based): chr22:37,137,644, G>C on the plus strand (C>G on the coding strand, the complement: IL2RB is on the minus strand). VCF-style: chr22-37137644-G-C. GRCh37 (hg19) VCF-style: chr22-37533684-G-C.
Other names: c.480C>G, p.Tyr160Ter (NM_001346222.1, NM_001346223.2); short protein forms Y160*.
Identifiers: ClinVar variation 2765281 (VCV002765281.3), dbSNP rs1921773433, ClinGen allele CA411428075.

ClinVar aggregate classification (germline): Pathogenic (1 of 4 stars; one submission).

Submission:

Labcorp Genetics (formerly Invitae), Labcorp
Classification: Pathogenic. Last evaluated: 2023-10-04. Review status: criteria provided, single submitter. Criteria: Invitae Variant Classification Sherloc (09022015). Collection method: clinical testing. Allele origin: germline.
Comment: This sequence change creates a premature translational stop signal (p.Tyr160*) in the IL2RB gene. It is expected to result in an absent or disrupted protein product. Loss-of-function variants in IL2RB are known to be pathogenic (PMID: 31040185). This variant is not present in population databases (gnomAD no frequency). This variant has not been reported in the literature in individuals affected with IL2RB-related conditions. For these reasons, this variant has been classified as Pathogenic.

Literature cited by the submitters: PubMed 31040185.